The following is an entry in ClinVar:

ClinVar aggregate classification (germline): Uncertain significance. Review status: criteria provided, multiple submitters, no conflicts (2 of 4 stars). 2 submissions from 2 submitters: Uncertain significance (2). Last evaluated 2025-05-18.

Conditions:
Brachydactyly type B1 (BDB1). Identifiers: Orphanet 572385, Orphanet 93383, MedGen C1862112, MONDO:0007220, OMIM 113000.
Autosomal recessive Robinow syndrome (RRS1). Also called: COSTOVERTEBRAL SEGMENTATION DEFECT WITH MESOMELIA; COVESDEM SYNDROME; ROR2-Related Robinow Syndrome; ROBINOW SYNDROME, AUTOSOMAL RECESSIVE 1. Identifiers: Orphanet 1507, Orphanet 97360, MedGen C5399974, MONDO:0009999, OMIM 268310.

Allele frequency attached by ClinVar (database versions not stated): ExAC 0.00002.
gnomAD v4.1: 34 of 1,612,706 alleles (0.0021%); highest among the groups gnomAD compares: Admixed American, 0.018%; no homozygotes.

Submissions (2):

Labcorp Genetics (formerly Invitae), Labcorp
Classification: Uncertain significance. Last evaluated: 2025-05-18. Review status: criteria provided, single submitter. Criteria: Invitae Variant Classification Sherloc (09022015). Collection method: clinical testing. Allele origin: germline.
Comment: This sequence change replaces arginine, which is basic and polar, with histidine, which is basic and polar, at codon 265 of the ROR2 protein (p.Arg265His). This variant is present in population databases (rs746065715, gnomAD 0.01%). This missense change has been observed in individual(s) with thanatophoric dysplasia on ultrasound (PMID: 32502767). ClinVar contains an entry for this variant (Variation ID: 2419539). Invitae Evidence Modeling of protein sequence and biophysical properties (such as structural, functional, and spatial information, amino acid conservation, physicochemical variation, residue mobility, and thermodynamic stability) indicates that this missense variant is not expected to disrupt ROR2 protein function with a negative predictive value of 80%. In summary, the available evidence is currently insufficient to determine the role of this variant in disease. Therefore, it has been classified as a Variant of Uncertain Significance.

Fulgent Genetics
Classification: Uncertain significance for Brachydactyly type B1; Autosomal recessive Robinow syndrome. Last evaluated: 2024-03-11. Review status: criteria provided, single submitter. Criteria: ACMG Guidelines, 2015. Collection method: clinical testing. Allele origin: germline.

Literature cited by the submitters: PubMed 32502767 (cited by Labcorp Genetics (formerly Invitae), Labcorp).

NM_004560.4(ROR2):c.794G>A (p.Arg265His)

Gene: ROR2 (receptor tyrosine kinase like orphan receptor 2; minus strand). Cytogenetic location: 9q22.31.
Variant type: single nucleotide variant.
Coding change: c.794G>A on transcript NM_004560.4 (MANE Select); coding-DNA position 794, G replaced by A.
Protein change: p.Arg265His; replaces arginine 265 with histidine.
Molecular consequence: missense variant.
Genome position (GRCh38, 1-based): chr9:91,733,265, C>T on the plus strand (G>A on the coding strand, the complement: ROR2 is on the minus strand). VCF-style: chr9-91733265-C-T. GRCh37 (hg19) VCF-style: chr9-94495547-C-T.
Other names: c.794G>A, p.Arg265His (NM_001318204.2); short protein forms R265H.
Identifiers: ClinVar variation 2419539 (VCV002419539.7), dbSNP rs746065715, ClinGen allele CA5120890.